The following is an entry in ClinVar:

NM_006493.4(CLN5):c.1014del (p.Phe338fs)

Gene: CLN5 (CLN5 lysosomal BMP synthase; plus strand). Cytogenetic location: 13q22.3.
Variant type: Deletion.
Coding change: c.1014del on transcript NM_006493.4 (MANE Select); coding-DNA position 1014, one base deleted (T; older notation c.1014delT).
Protein change: p.Phe338fs; shifts the reading frame from phenylalanine 338.
Molecular consequence: frameshift variant. On other transcripts: 3 prime UTR variant (1).
Genome position (GRCh38, 1-based): chr13:77,000,906, T deleted; the last of 4 consecutive T bases (chr13:77,000,903-77,000,906); deleting any one gives the same sequence. VCF-style (leftmost placement, unchanged base first): chr13-77000902-CT-C. GRCh37 (hg19) VCF-style: chr13-77575037-CT-C.
Other names: c.*463del (NM_001366624.2); short protein forms F338fs.
Identifiers: ClinVar variation 2036621 (VCV002036621.4), dbSNP rs2034350473, ClinGen allele CA957800791.
Genomic context (GRCh38, chr13:77,000,902, plus strand): 5'-TGCACAAACAGTTCTATTTGTTTTATAATTTTGAATATTGGTTTTTACCTATGAAATTCC[CT>C]TTTATTAAAATAACATATGAAGAAATCCCTTTACCTATCAGAAACAAAACACTCTCTGGT-3'

ClinVar aggregate classification (germline): Pathogenic (1 of 4 stars; one submission).

Conditions:
Neuronal ceroid lipofuscinosis. Also called: Neuronal Ceroid Lipofuscinoses. Identifiers: Orphanet 216, Orphanet 79263, MedGen C0027877, MONDO:0016295. Disease mechanism: loss of function.

Submission:

Labcorp Genetics (formerly Invitae), Labcorp
Classification: Pathogenic for Neuronal ceroid lipofuscinosis. Last evaluated: 2023-03-03. Review status: criteria provided, single submitter. Criteria: Invitae Variant Classification Sherloc (09022015). Collection method: clinical testing. Allele origin: germline.
Comment: For these reasons, this variant has been classified as Pathogenic. This variant disrupts a region of the CLN5 protein in which other variant(s) (p.Tyr392*) have been determined to be pathogenic (PMID: 9662406, 11971870, 12134079). This suggests that this is a clinically significant region of the protein, and that variants that disrupt it are likely to be disease-causing. This sequence change creates a premature translational stop signal (p.Phe387Leufs*4) in the CLN5 gene. While this is not anticipated to result in nonsense mediated decay, it is expected to disrupt the last 21 amino acid(s) of the CLN5 protein. This variant is not present in population databases (gnomAD no frequency). This variant has not been reported in the literature in individuals affected with CLN5-related conditions. ClinVar contains an entry for this variant (Variation ID: 2036621).

Literature cited by the submitters: PubMed 9662406; PubMed 11971870; PubMed 12134079.